The following is an entry in ClinVar:

NM_004260.4(RECQL4):c.3237-9_3237-7del

Gene: RECQL4 (RecQ like helicase 4; minus strand). Cytogenetic location: 8q24.3.
Variant type: Microsatellite.
Coding change: c.3237-9_3237-7del on transcript NM_004260.4 (MANE Select); 9 bases into the intron before coding-DNA position 3237 through 7 bases into the intron before coding-DNA position 3237, 3 bases deleted (TCC; older notation c.3237-9_3237-7delTCC).
Molecular consequence: intron variant.
Genome position (GRCh38, 1-based): chr8:144,512,074-144,512,076, GGA deleted on the plus strand (TCC on the coding strand, the reverse complement: RECQL4 is on the minus strand); deleting any 3 consecutive bases within chr8:144,512,074-144,512,080 gives the same sequence; the c. name uses the placement nearest the transcript's 3' end. VCF-style (leftmost placement, unchanged base first): chr8-144512073-GGGA-G. GRCh37 (hg19) VCF-style: chr8-145737456-GGGA-G.
Other names: c.1770-9_1770-7del (NM_001413043.1); c.1968-9_1968-7del (NM_001413031.1, NM_001413038.1); c.2100-9_2100-7del (NM_001413030.1, NM_001413032.1, NM_001413027.1); c.2175-9_2175-7del (NM_001413041.1); c.2136-9_2136-7del (NM_001413042.1); c.2034-9_2034-7del (NM_001413037.1); c.2166-9_2166-7del (NM_001413022.1, NM_001413035.1, NM_001413040.1 and 4 more transcripts); c.2241-9_2241-7del (NM_001413023.1); and 9 more.
Identifiers: ClinVar variation 2718118 (VCV002718118.3), dbSNP rs2537975076, ClinGen allele CA2697550231.

ClinVar aggregate classification (germline): Uncertain significance (1 of 4 stars; one submission).

Conditions:
Baller-Gerold syndrome (BGS). Also called: CRANIOSYNOSTOSIS WITH RADIAL DEFECTS. Identifiers: Orphanet 1225, MedGen C0265308, MONDO:0009039, OMIM 218600.

Submission:

Labcorp Genetics (formerly Invitae), Labcorp
Classification: Uncertain significance for Baller-Gerold syndrome. Last evaluated: 2023-10-10. Review status: criteria provided, single submitter. Criteria: Invitae Variant Classification Sherloc (09022015). Collection method: clinical testing. Allele origin: germline.
Comment: This sequence change falls in intron 18 of the RECQL4 gene. It does not directly change the encoded amino acid sequence of the RECQL4 protein. This variant is not present in population databases (gnomAD no frequency). This variant has not been reported in the literature in individuals affected with RECQL4-related conditions. Algorithms developed to predict the effect of sequence changes on RNA splicing suggest that this variant may disrupt the consensus splice site. In summary, the available evidence is currently insufficient to determine the role of this variant in disease. Therefore, it has been classified as a Variant of Uncertain Significance.